The following is an entry in ClinVar:

NM_016239.4(MYO15A):c.6258G>A (p.Val2086=)

Gene: MYO15A (myosin XVA; plus strand). Cytogenetic location: 17p11.2.
Variant type: single nucleotide variant.
Coding change: c.6258G>A on transcript NM_016239.4 (MANE Select); coding-DNA position 6258, G replaced by A.
Protein change: p.Val2086=; no amino-acid change (valine 2086 retained).
Molecular consequence: synonymous variant.
Genome position (GRCh38, 1-based): chr17:18,144,577, G>A. VCF-style: chr17-18144577-G-A. GRCh37 (hg19) VCF-style: chr17-18047891-G-A.
Identifiers: ClinVar variation 1706291 (VCV001706291.2), dbSNP rs1158094713, ClinGen allele CA498202097.

ClinVar aggregate classification (germline): Uncertain significance (1 of 4 stars; one submission).

Allele frequency attached by ClinVar (database versions not stated): gnomAD exomes below 0.00001.
gnomAD v4.1: 5 of 1,612,680 alleles (0.00031%); highest among the groups gnomAD compares: South Asian, 0.0044%; no homozygotes.

Submission:

GeneDx
Classification: Uncertain significance. Last evaluated: 2022-03-08. Review status: criteria provided, single submitter. Criteria: GeneDx Variant Classification Process June 2021. Collection method: clinical testing. Allele origin: germline. Affected: yes.
Comment: Not observed at significant frequency in large population cohorts (gnomAD); In silico analysis supports a deleterious effect on splicing; Has not been previously published as pathogenic or benign to our knowledge